The following is an entry in ClinVar:

NM_000393.5(COL5A2):c.2981T>C (p.Ile994Thr)

Gene: COL5A2 (collagen type V alpha 2 chain; minus strand). Cytogenetic location: 2q32.2.
Variant type: single nucleotide variant.
Coding change: c.2981T>C on transcript NM_000393.5 (MANE Select); coding-DNA position 2981, T replaced by C.
Protein change: p.Ile994Thr; replaces isoleucine 994 with threonine.
Molecular consequence: missense variant.
Genome position (GRCh38, 1-based): chr2:189,050,627, A>G on the plus strand (T>C on the coding strand, the complement: COL5A2 is on the minus strand). VCF-style: chr2-189050627-A-G. GRCh37 (hg19) VCF-style: chr2-189915353-A-G.
Other names: short protein forms I994T.
Identifiers: ClinVar variation 653415 (VCV000653415.26), dbSNP rs1354785209, ClinGen allele CA349867071.
Genomic context (GRCh38, chr2:189,050,627, plus strand): 5'-ACCGCTGGGCCTGGTAGGCCGGGCATGCCTCTCTCTCCACGTTGCCCAGGCATGCCAACA[A>G]TTCCTCTCTGCCCGGTCGTTCCAGCTGGACCAGGGGGGCCATCTGGACCCTAATGTTGAG-3'
Protein context (NP_000384.2, residues 984-1004): GPAGTTGQRG[Ile994Thr]VGMPGQRGER

ClinVar aggregate classification (germline): Conflicting classifications of pathogenicity. Review status: criteria provided, conflicting classifications (1 of 4 stars). 4 submissions from 4 submitters: Uncertain significance (3); Likely benign (1). Last evaluated 2025-09-29.

Conditions:
Ehlers-Danlos syndrome, classic type, 2 (EDSCL2). Also called: Ehlers-Danlos Syndrome, Classic Type, COL5A2-Related; Ehlers-Danlos syndrome, type 2; Ehlers-Danlos syndrome type 2 (formerly). Identifiers: Orphanet 287, Orphanet 90318, MedGen C0268336, MONDO:0019568, OMIM 130010.
Ehlers-Danlos syndrome, classic type, 1 (EDSCL1). Also called: EDS I; EHLERS-DANLOS SYNDROME, GRAVIS TYPE; EHLERS-DANLOS SYNDROME, SEVERE CLASSIC TYPE; Ehlers-Danlos Syndrome, Classic Type, COL5A1-Related; Ehlers-Danlos syndrome, type 1. Identifiers: MedGen C0268335, MONDO:0019567, OMIM 130000.

Allele frequency attached by ClinVar (database versions not stated): gnomAD exomes 0.00001; TOPMed 0.00001.
gnomAD v4.1: 10 of 1,552,630 alleles (0.00064%); highest among the groups gnomAD compares: Non-Finnish European, 0.00087%; no homozygotes.

Submissions (4):

Labcorp Genetics (formerly Invitae), Labcorp
Classification: Likely benign for Ehlers-Danlos syndrome, classic type, 1. Last evaluated: 2025-09-29. Review status: criteria provided, single submitter. Criteria: Invitae Variant Classification Sherloc (09022015). Collection method: clinical testing. Allele origin: germline.

Women's Health and Genetics/Laboratory Corporation of America, LabCorp
Classification: Uncertain significance. Last evaluated: 2025-05-20. Review status: criteria provided, single submitter. Criteria: LabCorp Variant Classification Summary - May 2015. Collection method: clinical testing. Allele origin: germline.
Comment: Variant summary: COL5A2 c.2981T>C (p.Ile994Thr) results in a non-conservative amino acid change in the encoded protein sequence. Algorithms developed to predict the effect of missense changes on protein structure and function all suggest that this variant is likely to be disruptive. The variant allele was found at a frequency of 6.4e-06 in 1552630 control chromosomes. This frequency is not significantly higher than estimated for a pathogenic variant in COL5A2 causing Ehlers-Danlos syndrome, classic type, 2 (6.4e-06 vs 3.1e-05), allowing no conclusion about variant significance. To our knowledge, no occurrence of c.2981T>C in individuals affected with Ehlers-Danlos syndrome, classic type, 2 and no experimental evidence demonstrating its impact on protein function have been reported. ClinVar contains an entry for this variant (Variation ID: 653415). Based on the evidence outlined above, the variant was classified as uncertain significance.

ARUP Laboratories, Molecular Genetics and Genomics, ARUP Laboratories
Classification: Uncertain significance for Ehlers-Danlos syndrome, classic type, 2. Last evaluated: 2023-12-19. Review status: criteria provided, single submitter. Criteria: ARUP Molecular Germline Variant Investigation Process 2024. Collection method: clinical testing. Allele origin: germline.
Comment: The COL5A2 c.2981T>C; p.Ile994Thr variant (rs1354785209), to our knowledge, is not reported in the medical literature but is reported in ClinVar (Variation ID: 653415). This variant is only observed on two alleles in the Genome Aggregation Database (v2.1.1), indicating it is not a common polymorphism. Computational analyses are uncertain whether this variant is neutral or deleterious (REVEL: 0.616). Due to limited information, the clinical significance of this variant is uncertain at this time.

GeneDx
Classification: Uncertain significance. Last evaluated: 2022-05-26. Review status: criteria provided, single submitter. Criteria: GeneDx Variant Classification Process June 2021. Collection method: clinical testing. Allele origin: germline. Affected: yes.
Comment: Has not been previously published as pathogenic or benign to our knowledge; Not observed at significant frequency in large population cohorts (gnomAD); In silico analysis supports that this missense variant has a deleterious effect on protein structure/function